The following is an entry in ClinVar:

ClinVar aggregate classification (germline): Uncertain significance. Review status: criteria provided, multiple submitters, no conflicts (2 of 4 stars). 2 submissions from 2 submitters: Uncertain significance (2). Last evaluated 2025-03-07.

Conditions:
Inborn genetic diseases. Identifiers: MedGen C0950123, MeSH D030342.

Allele frequency attached by ClinVar (database versions not stated): ExAC 0.00002; gnomAD exomes 0.00003; ESP Exome Variant Server 0.00008; TOPMed 0.00002; gnomAD 0.00003.

Submissions (2):

Ambry Genetics
Classification: Uncertain significance for Inborn genetic diseases. Last evaluated: 2025-03-07. Review status: criteria provided, single submitter. Criteria: Ambry Variant Classification Scheme 2023. Collection method: clinical testing. Allele origin: germline.

Labcorp Genetics (formerly Invitae), Labcorp
Classification: Uncertain significance. Last evaluated: 2022-03-07. Review status: criteria provided, single submitter. Criteria: Invitae Variant Classification Sherloc (09022015). Collection method: clinical testing. Allele origin: germline.
Comment: This sequence change replaces serine, which is neutral and polar, with phenylalanine, which is neutral and non-polar, at codon 530 of the PAX1 protein (p.Ser530Phe). This variant is present in population databases (rs368597729, gnomAD 0.005%). This variant has not been reported in the literature in individuals affected with PAX1-related conditions. Algorithms developed to predict the effect of missense changes on protein structure and function (SIFT, PolyPhen-2, Align-GVGD) all suggest that this variant is likely to be tolerated. In summary, the available evidence is currently insufficient to determine the role of this variant in disease. Therefore, it has been classified as a Variant of Uncertain Significance.

NM_001257096.2(PAX1):c.*225C>T

Gene: PAX1 (paired box 1; plus strand). Cytogenetic location: 20p11.22.
Variant type: single nucleotide variant.
Coding change: c.*225C>T on transcript NM_001257096.2 (MANE Select); 225 bases downstream of the stop codon, C replaced by T.
Molecular consequence: 3 prime UTR variant. On other transcripts: missense variant (1).
Genome position (GRCh38, 1-based): chr20:21,714,787, C>T. VCF-style: chr20-21714787-C-T. GRCh37 (hg19) VCF-style: chr20-21695425-C-T.
Other names: c.1589C>T, p.Ser530Phe (NM_006192.5); c.1589C>T (NM_006192.3); short protein forms S530F.
Identifiers: ClinVar variation 1520490 (VCV001520490.5), dbSNP rs368597729, ClinGen allele CA9786833.